The following is an entry in ClinVar:

ClinVar aggregate classification (germline): Uncertain significance (1 of 4 stars; one submission).

Conditions:
Charcot-Marie-Tooth disease type 2. Also called: Charcot-Marie-Tooth type 2. Identifiers: Orphanet 64746, MedGen C0270914, MONDO:0018993.

Allele frequency attached by ClinVar (database versions not stated): gnomAD exomes below 0.00001 and 0.00001; gnomAD 0.00001; TOPMed below 0.00001; ExAC 0.00001.
gnomAD v4.1: 18 of 1,613,688 alleles (0.0011%); highest among the groups gnomAD compares: Non-Finnish European, 0.0015%; no homozygotes.

Submission:

Labcorp Genetics (formerly Invitae), Labcorp
Classification: Uncertain significance for Charcot-Marie-Tooth disease type 2. Last evaluated: 2025-10-07. Review status: criteria provided, single submitter. Criteria: Invitae Variant Classification Sherloc (09022015). Collection method: clinical testing. Allele origin: germline.
Comment: This sequence change replaces arginine, which is basic and polar, with cysteine, which is neutral and slightly polar, at codon 481 of the MFN2 protein (p.Arg481Cys). The frequency data for this variant in the population databases is considered unreliable, as metrics indicate poor data quality at this position in the gnomAD database. This variant has not been reported in the literature in individuals affected with MFN2-related conditions. ClinVar contains an entry for this variant (Variation ID: 1017421). Invitae Evidence Modeling of protein sequence and biophysical properties (such as structural, functional, and spatial information, amino acid conservation, physicochemical variation, residue mobility, and thermodynamic stability) has been performed for this missense variant. However, the output from this modeling did not meet the statistical confidence thresholds required to predict the impact of this variant on MFN2 protein function. In summary, the available evidence is currently insufficient to determine the role of this variant in disease. Therefore, it has been classified as a Variant of Uncertain Significance.

NM_014874.4(MFN2):c.1441C>T (p.Arg481Cys)

Gene: MFN2 (mitofusin 2; plus strand). Cytogenetic location: 1p36.22.
Variant type: single nucleotide variant.
Coding change: c.1441C>T on transcript NM_014874.4 (MANE Select); coding-DNA position 1441, C replaced by T.
Protein change: p.Arg481Cys; replaces arginine 481 with cysteine.
Molecular consequence: missense variant.
Genome position (GRCh38, 1-based): chr1:12,004,873, C>T. VCF-style: chr1-12004873-C-T. GRCh37 (hg19) VCF-style: chr1-12064930-C-T.
Other names: c.1441C>T, p.Arg481Cys (NM_001127660.2); short protein forms R481C.
Identifiers: ClinVar variation 1017421 (VCV001017421.8), dbSNP rs762264240, ClinGen allele CA599121.
Genomic context (GRCh38, chr1:12,004,873, plus strand): 5'-TTCTGGTGGCAGGAGCTGCACCGCCACATAGAGGAAGGACTGGGTCGAAACATGTCTGAC[C>T]GCTGCTCCACGGCCATCACCAACTCCCTGCAGACCATGCAGCAGGACATGATAGGTTAGT-3'
Protein context (NP_055689.1, residues 471-491): EEGLGRNMSD[Arg481Cys]CSTAITNSLQ